The following is an entry in ClinVar:

ClinVar aggregate classification (germline): Uncertain significance (1 of 4 stars; one submission).

Conditions:
Generalized epilepsy with febrile seizures plus, type 7 (GEFSP7). Also called: GEFS+, TYPE 7. Identifiers: Orphanet 36387, MedGen C2751778, MONDO:0013470, OMIM 613863.
Neuropathy, hereditary sensory and autonomic, type 2A (HSAN2A). Also called: MORVAN DISEASE; NEUROPATHY, CONGENITAL SENSORY; NEUROPATHY, HEREDITARY SENSORY RADICULAR, AUTOSOMAL RECESSIVE; NEUROPATHY, HEREDITARY SENSORY, TYPE IIA; NEUROPATHY, PROGRESSIVE SENSORY, OF CHILDREN; WNK1-Related HSAN2 (HSAN2A). Identifiers: Orphanet 970, MedGen C2752089, MONDO:0024309, OMIM 201300.

Submission:

Labcorp Genetics (formerly Invitae), Labcorp
Classification: Uncertain significance for Neuropathy, hereditary sensory and autonomic, type 2A; Generalized epilepsy with febrile seizures plus, type 7. Last evaluated: 2022-06-13. Review status: criteria provided, single submitter. Criteria: Invitae Variant Classification Sherloc (09022015). Collection method: clinical testing. Allele origin: germline.
Comment: In summary, the available evidence is currently insufficient to determine the role of this variant in disease. Therefore, it has been classified as a Variant of Uncertain Significance. Algorithms developed to predict the effect of missense changes on protein structure and function are either unavailable or do not agree on the potential impact of this missense change (SIFT: "Deleterious"; PolyPhen-2: "Probably Damaging"; Align-GVGD: "Class C0"). This variant has not been reported in the literature in individuals affected with SCN9A-related conditions. This variant is not present in population databases (gnomAD no frequency). This sequence change replaces tryptophan, which is neutral and slightly polar, with leucine, which is neutral and non-polar, at codon 1182 of the SCN9A protein (p.Trp1182Leu).

NM_001365536.1(SCN9A):c.3578G>T (p.Trp1193Leu)

Genes: SCN1A-AS1 (SCN1A and SCN9A antisense RNA 1; plus strand), SCN9A (sodium voltage-gated channel alpha subunit 9; minus strand). Cytogenetic location: 2q24.3.
Variant type: single nucleotide variant.
Coding change: c.3578G>T on transcript NM_001365536.1 (MANE Select); coding-DNA position 3578, G replaced by T.
Protein change: p.Trp1193Leu; replaces tryptophan 1193 with leucine.
Molecular consequence: missense variant.
Genome position (GRCh38, 1-based): chr2:166,242,551, C>A on the plus strand (G>T on the coding strand, the complement: SCN9A is on the minus strand). VCF-style: chr2-166242551-C-A. GRCh37 (hg19) VCF-style: chr2-167099061-C-A.
Other names: c.3545G>T, p.Trp1182Leu (NM_002977.4); short protein forms W1182L, W1193L.
Identifiers: ClinVar variation 2005612 (VCV002005612.4), dbSNP rs2467868363, ClinGen allele CA349070210.
Genomic context (GRCh38, chr2:166,242,551, plus strand): 5'-AGATCATTTACCAGGGCACCACTGCTGAGCAGGATCATGAGGACAATGAAGCTTTCAAAC[C>A]AACTGTGTTCAACAATCTTGTAGCAGGTTTTCCTGATGTTCCACCAGATTTTTCCTTTCC-3'
Protein context (NP_001352465.1, residues 1183-1203): KTCYKIVEHS[Trp1193Leu]FESFIVLMIL